The following is an entry in ClinVar:

NM_014244.5(ADAMTS2):c.3603G>T (p.Glu1201Asp)

Gene: ADAMTS2 (ADAM metallopeptidase with thrombospondin type 1 motif 2; minus strand). Cytogenetic location: 5q35.3.
Variant type: single nucleotide variant.
Coding change: c.3603G>T on transcript NM_014244.5 (MANE Select); coding-DNA position 3603, G replaced by T.
Protein change: p.Glu1201Asp; replaces glutamic acid 1201 with aspartic acid.
Molecular consequence: missense variant.
Genome position (GRCh38, 1-based): chr5:179,113,900, C>A on the plus strand (G>T on the coding strand, the complement: ADAMTS2 is on the minus strand). VCF-style: chr5-179113900-C-A. GRCh37 (hg19) VCF-style: chr5-178540901-C-A.
Other names: short protein forms E1201D.
Identifiers: ClinVar variation 934439 (VCV000934439.7), dbSNP rs1762614743, ClinGen allele CA362409918.

ClinVar aggregate classification (germline): Uncertain significance (1 of 4 stars; one submission).

Conditions:
Ehlers-Danlos syndrome, dermatosparaxis type. Also called: Dermatosparaxis; EDS VIIC; Ehlers-Danlos syndrome, type VII, autosomal recessive. Identifiers: Orphanet 1901, MedGen C2700425, MONDO:0009161, OMIM 225410.

Allele frequency attached by ClinVar (database versions not stated): gnomAD exomes below 0.00001.
gnomAD v4.1: 1 of 1,614,204 alleles (0.000062%); highest among the groups gnomAD compares: Non-Finnish European, 0.000085%; no homozygotes.

Submission:

Labcorp Genetics (formerly Invitae), Labcorp
Classification: Uncertain significance for Ehlers-Danlos syndrome, dermatosparaxis type. Last evaluated: 2021-08-31. Review status: criteria provided, single submitter. Criteria: Invitae Variant Classification Sherloc (09022015). Collection method: clinical testing. Allele origin: germline.
Comment: This sequence change replaces glutamic acid with aspartic acid at codon 1201 of the ADAMTS2 protein (p.Glu1201Asp). The glutamic acid residue is moderately conserved and there is a small physicochemical difference between glutamic acid and aspartic acid. This variant is not present in population databases (ExAC no frequency). This variant has not been reported in the literature in individuals affected with ADAMTS2-related conditions. Algorithms developed to predict the effect of missense changes on protein structure and function are either unavailable or do not agree on the potential impact of this missense change (SIFT: "Tolerated"; PolyPhen-2: "Possibly Damaging"; Align-GVGD: "Class C0"). In summary, the available evidence is currently insufficient to determine the role of this variant in disease. Therefore, it has been classified as a Variant of Uncertain Significance.